The following is an entry in ClinVar:

ClinVar aggregate classification (germline): Uncertain significance (1 of 4 stars; one submission).

Submission:

Ambry Genetics
Classification: Uncertain significance. Last evaluated: 2024-02-20. Review status: criteria provided, single submitter. Criteria: Ambry Variant Classification Scheme 2023. Collection method: clinical testing. Allele origin: germline.
Comment: The p.Q473K variant (also known as c.1417C>A), located in coding exon 8 of the GALNT12 gene, results from a C to A substitution at nucleotide position 1417. The glutamine at codon 473 is replaced by lysine, an amino acid with similar properties. This amino acid position is conserved. In addition, this alteration is predicted to be tolerated by in silico analysis. Since supporting evidence is limited at this time, the clinical significance of this alteration remains unclear.

NM_024642.5(GALNT12):c.1417C>A (p.Gln473Lys)

Gene: GALNT12 (polypeptide N-acetylgalactosaminyltransferase 12; plus strand). Cytogenetic location: 9q22.33.
Variant type: single nucleotide variant.
Coding change: c.1417C>A on transcript NM_024642.5 (MANE Select); coding-DNA position 1417, C replaced by A.
Protein change: p.Gln473Lys; replaces glutamine 473 with lysine.
Molecular consequence: missense variant.
Genome position (GRCh38, 1-based): chr9:98,844,168, C>A. VCF-style: chr9-98844168-C-A. GRCh37 (hg19) VCF-style: chr9-101606450-C-A.
Other names: short protein forms Q473K.
Identifiers: ClinVar variation 1772154 (VCV001772154.2), dbSNP rs979207164, ClinGen allele CA374221475.